The following is an entry in ClinVar:

NM_000138.5(FBN1):c.7856G>A (p.Gly2619Glu)

Gene: FBN1 (fibrillin 1; minus strand). Cytogenetic location: 15q21.1.
Variant type: single nucleotide variant.
Coding change: c.7856G>A on transcript NM_000138.5 (MANE Select); coding-DNA position 7856, G replaced by A.
Protein change: p.Gly2619Glu; replaces glycine 2619 with glutamic acid.
Molecular consequence: missense variant.
Genome position (GRCh38, 1-based): chr15:48,415,731, C>T on the plus strand (G>A on the coding strand, the complement: FBN1 is on the minus strand). VCF-style: chr15-48415731-C-T. GRCh37 (hg19) VCF-style: chr15-48707928-C-T.
Other names: c.7856G>A (NM_000138.4); short protein forms G2619E.
Identifiers: ClinVar variation 1391752 (VCV001391752.9), dbSNP rs113926846, ClinGen allele CA059303.
Genomic context (GRCh38, chr15:48,415,731, plus strand): 5'-TACTGGAAGCCGGCGGGACACATGCACTTGTAGCTCCCCAGGGTGTTGTGACAGGAGGCT[C>T]CTCCGCAGATGTGAGCGCTGAGGCATTCGTTTTCATCTGCAGGCAAAATAAGAAGCGGCA-3'
Protein context (NP_000129.3, residues 2609-2629): NECLSAHICG[Gly2619Glu]ASCHNTLGSY

ClinVar aggregate classification (germline): Uncertain significance. Review status: criteria provided, multiple submitters, no conflicts (2 of 4 stars). 4 submissions from 4 submitters: Uncertain significance (4). Last evaluated 2026-03-03.

Conditions:
Marfan syndrome (MFS). Also called: Marfan syndrome type 1; Marfan's syndrome; FBN1-Related Marfan Syndrome; MARFAN SYNDROME, TYPE I; Marfan syndrome, classic. Identifiers: Orphanet 284963, Orphanet 558, MedGen C0024796, MONDO:0007947, OMIM 154700.
Familial thoracic aortic aneurysm and aortic dissection (TAAD). Also called: Thoracic aortic aneurysms and dissections. Identifiers: Orphanet 91387, MedGen C4707243, MONDO:0019625.

Allele frequency attached by ClinVar (database versions not stated): gnomAD exomes 0.00001 and below 0.00001; ExAC 0.00001; gnomAD 0.00001; ESP Exome Variant Server 0.00008; 1000 Genomes Project 30x 0.00062.
gnomAD v4.1: 12 of 1,614,232 alleles (0.00074%); highest among the groups gnomAD compares: Non-Finnish European, 0.001%; no homozygotes.

Submissions (4):

Ambry Genetics
Classification: Uncertain significance for Familial thoracic aortic aneurysm and aortic dissection. Last evaluated: 2026-03-03. Review status: criteria provided, single submitter. Criteria: Ambry Variant Classification Scheme 2023. Collection method: clinical testing. Allele origin: germline.

Color Diagnostics, LLC DBA Color Health
Classification: Uncertain significance for Familial thoracic aortic aneurysm and aortic dissection. Last evaluated: 2024-04-15. Review status: criteria provided, single submitter. Criteria: ACMG Guidelines, 2015. Collection method: clinical testing. Allele origin: germline.
Comment: This missense variant replaces glycine with glutamic acid at codon 2619 of the FBN1 protein. Computational prediction tools indicate that this variant has a deleterious impact on protein structure and function. To our knowledge, functional studies have not been reported for this variant. This variant has not been reported in individuals affected with FBN1-related disorders in the literature. This variant has been identified in 1/251282 chromosomes in the general population by the Genome Aggregation Database (gnomAD). The available evidence is insufficient to determine the role of this variant in disease conclusively. Therefore, this variant is classified as a Variant of Uncertain Significance.

All of Us Research Program, National Institutes of Health
Classification: Uncertain significance for Marfan syndrome. Last evaluated: 2023-08-15. Review status: criteria provided, single submitter. Criteria: ACMG Guidelines, 2015. Collection method: clinical testing. Allele origin: germline. Inheritance: Autosomal dominant inheritance. Observed: 2 variant alleles, 2 heterozygotes.
Comment: This missense variant replaces glycine with glutamic acid at codon 2619 of the FBN1 protein. Computational prediction suggests that this variant may have deleterious impact on protein structure and function (internally defined REVEL score threshold >= 0.7, PMID: 27666373). To our knowledge, functional studies have not been reported for this variant. This variant has not been reported in individuals affected with FBN1-related disorders in the literature. This variant has been identified in 1/251282 chromosomes in the general population by the Genome Aggregation Database (gnomAD). The available evidence is insufficient to determine the role of this variant in disease conclusively. Therefore, this variant is classified as a Variant of Uncertain Significance.

This study involves interpretation of variants in research participants for the purpose of population health screening. Participant phenotype was not available at the time of variant classification. Additional details can be found in publication PMID: 35346344, PMCID: PMC8962531

Labcorp Genetics (formerly Invitae), Labcorp
Classification: Uncertain significance for Marfan syndrome; Familial thoracic aortic aneurysm and aortic dissection. Last evaluated: 2023-06-27. Review status: criteria provided, single submitter. Criteria: Invitae Variant Classification Sherloc (09022015). Collection method: clinical testing. Allele origin: germline.
Comment: This sequence change replaces glycine, which is neutral and non-polar, with glutamic acid, which is acidic and polar, at codon 2619 of the FBN1 protein (p.Gly2619Glu). This variant is present in population databases (rs113926846, gnomAD 0.0009%). This variant has not been reported in the literature in individuals affected with FBN1-related conditions. ClinVar contains an entry for this variant (Variation ID: 1391752). Advanced modeling of protein sequence and biophysical properties (such as structural, functional, and spatial information, amino acid conservation, physicochemical variation, residue mobility, and thermodynamic stability) has been performed at Invitae for this missense variant, however the output from this modeling did not meet the statistical confidence thresholds required to predict the impact of this variant on FBN1 protein function. In summary, the available evidence is currently insufficient to determine the role of this variant in disease. Therefore, it has been classified as a Variant of Uncertain Significance.